The following is an entry in ClinVar:

NM_004064.5(CDKN1B):c.331G>T (p.Gly111Trp)

Gene: CDKN1B (cyclin dependent kinase inhibitor 1B; plus strand). Cytogenetic location: 12p13.1.
Variant type: single nucleotide variant.
Coding change: c.331G>T on transcript NM_004064.5 (MANE Select); coding-DNA position 331, G replaced by T.
Protein change: p.Gly111Trp; replaces glycine 111 with tryptophan.
Molecular consequence: missense variant.
Genome position (GRCh38, 1-based): chr12:12,718,170, G>T. VCF-style: chr12-12718170-G-T. GRCh37 (hg19) VCF-style: chr12-12871104-G-T.
Other names: short protein forms G111W.
Identifiers: ClinVar variation 4868624 (VCV004868624.1).

ClinVar aggregate classification (germline): Uncertain significance (1 of 4 stars; one submission).

Conditions:
Hereditary cancer-predisposing syndrome. Also called: Neoplastic Syndromes, Hereditary; Tumor predisposition; Hereditary Cancer Syndrome; Hereditary neoplastic syndrome. Identifiers: Orphanet 140162, MedGen C0027672, MeSH D009386, MONDO:0015356.

gnomAD v4.1: 1 of 1,613,456 alleles (0.000062%); highest among the groups gnomAD compares: Non-Finnish European, 0.000085%; no homozygotes.

Submission:

Ambry Genetics
Classification: Uncertain significance for Hereditary cancer-predisposing syndrome. Last evaluated: 2026-04-22. Review status: criteria provided, single submitter. Criteria: Ambry Variant Classification Scheme 2023. Collection method: clinical testing. Allele origin: germline.
Comment: The p.G111W variant (also known as c.331G>T), located in coding exon 1 of the CDKN1B gene, results from a G to T substitution at nucleotide position 331. The glycine at codon 111 is replaced by tryptophan, an amino acid with highly dissimilar properties. This amino acid position is conserved. In addition, the in silico prediction for this alteration is inconclusive. Based on the available evidence, the clinical significance of this variant remains unclear.